The following is an entry in ClinVar:

ClinVar aggregate classification (germline): Conflicting classifications of pathogenicity. Review status: criteria provided, conflicting classifications (1 of 4 stars). 4 submissions from 4 submitters: Uncertain significance (2); Likely benign (1). 1 of the submissions does not count toward it. Last evaluated 2024-08-11.

Conditions:
PAX4-related disorder. Also called: PAX4-related condition.
Type 2 diabetes mellitus. Also called: Type II diabetes mellitus. Identifiers: MedGen C0011860, MeSH D003924, MONDO:0005148, OMIM 125853, HP:0005978.
Diabetes mellitus, ketosis-prone (KPD). Identifiers: MedGen C3837958, MONDO:0100180, OMIM 612227.
Maturity-onset diabetes of the young type 9 (MODY9). Identifiers: Orphanet 552, MedGen C2677132, MONDO:0012818, OMIM 612225.

Allele frequency attached by ClinVar (database versions not stated): gnomAD 0.00001; TOPMed 0.00003; ESP Exome Variant Server 0.00008.

Submissions (4):

Blueprint Genetics
Classification: Likely benign. Last evaluated: 2024-08-11. Review status: criteria provided, single submitter. Criteria: ACMG Guidelines, 2015. Collection method: clinical testing. Allele origin: germline.

Labcorp Genetics (formerly Invitae), Labcorp
Classification: Uncertain significance. Last evaluated: 2022-02-05. Review status: criteria provided, single submitter. Criteria: Invitae Variant Classification Sherloc (09022015). Collection method: clinical testing. Allele origin: germline.
Comment: This sequence change falls in intron 7 of the PAX4 gene. It does not directly change the encoded amino acid sequence of the PAX4 protein. It affects a nucleotide within the consensus splice site. This variant is present in population databases (rs377152445, gnomAD 0.03%). This variant has not been reported in the literature in individuals affected with PAX4-related conditions. Variants that disrupt the consensus splice site are a relatively common cause of aberrant splicing (PMID: 17576681, 9536098). Algorithms developed to predict the effect of sequence changes on RNA splicing suggest that this variant is not likely to affect RNA splicing. In summary, the available evidence is currently insufficient to determine the role of this variant in disease. Therefore, it has been classified as a Variant of Uncertain Significance.

Fulgent Genetics
Classification: Uncertain significance for Type 2 diabetes mellitus; Maturity-onset diabetes of the young type 9; Diabetes mellitus, ketosis-prone. Last evaluated: 2021-10-14. Review status: criteria provided, single submitter. Criteria: ACMG Guidelines, 2015. Collection method: clinical testing. Allele origin: unknown.

PreventionGenetics, part of Exact Sciences
Classification: Likely benign for PAX4-related condition. Last evaluated: 2019-07-23. Review status: no assertion criteria provided. Collection method: clinical testing. Allele origin: germline. Not counted in ClinVar's aggregate classification.
Comment: This variant is classified as likely benign based on ACMG/AMP sequence variant interpretation guidelines (Richards et al. 2015 PMID: 25741868, with internal and published modifications).

Literature cited by the submitters: PubMed 17576681 (cited by Labcorp Genetics (formerly Invitae), Labcorp); PubMed 9536098 (cited by Labcorp Genetics (formerly Invitae), Labcorp).

NM_001366110.1(PAX4):c.771+6C>T

Gene: PAX4 (paired box 4; minus strand). Cytogenetic location: 7q32.1.
Variant type: single nucleotide variant.
Coding change: c.771+6C>T on transcript NM_001366110.1 (MANE Select); 6 bases into the intron after coding-DNA position 771, C replaced by T.
Molecular consequence: intron variant.
Genome position (GRCh38, 1-based): chr7:127,611,939, G>A on the plus strand (C>T on the coding strand, the complement: PAX4 is on the minus strand). VCF-style: chr7-127611939-G-A. GRCh37 (hg19) VCF-style: chr7-127251993-G-A.
Other names: NM_006193.2:c.747+6C>T; c.771+6C>T (NM_001366111.1).
Identifiers: ClinVar variation 1359441 (VCV001359441.10), dbSNP rs377152445, ClinGen allele CA4467943.